The following is an entry in ClinVar:

NM_001486.4(GCKR):c.96G>T (p.Glu32Asp)

Gene: GCKR (glucokinase regulator; plus strand). Cytogenetic location: 2p23.3.
Variant type: single nucleotide variant.
Coding change: c.96G>T on transcript NM_001486.4 (MANE Select); coding-DNA position 96, G replaced by T.
Protein change: p.Glu32Asp; replaces glutamic acid 32 with aspartic acid.
Molecular consequence: missense variant.
Genome position (GRCh38, 1-based): chr2:27,497,279, G>T. VCF-style: chr2-27497279-G-T. GRCh37 (hg19) VCF-style: chr2-27720146-G-T.
Other names: short protein forms E32D.
Identifiers: ClinVar variation 2192482 (VCV002192482.4), dbSNP rs747654974, ClinGen allele CA1581429.
Genomic context (GRCh38, chr2:27,497,279, plus strand): 5'-CATCCTTGTCCCCTCTTCCTTCTAGTTGTCTGGGTACGAGGCAGCTGTGCCAATCACGGA[G>T]AAGTCAAACCCACTGACCCAGGATCTAGACAAAGCAGATGCTGAGAACATTGTTCGACTG-3'
Protein context (NP_001477.2, residues 22-42): SGYEAAVPIT[Glu32Asp]KSNPLTQDLD

ClinVar aggregate classification (germline): Uncertain significance (1 of 4 stars; one submission).

Allele frequency attached by ClinVar (database versions not stated): ExAC 0.00001; gnomAD 0.00001; gnomAD exomes 0.00001; TOPMed 0.00001.
gnomAD v4.1: 16 of 1,614,028 alleles (0.00099%); highest among the groups gnomAD compares: African/African-American, 0.0013%; no homozygotes.

Submission:

Labcorp Genetics (formerly Invitae), Labcorp
Classification: Uncertain significance. Last evaluated: 2022-10-25. Review status: criteria provided, single submitter. Criteria: Invitae Variant Classification Sherloc (09022015). Collection method: clinical testing. Allele origin: germline.
Comment: In summary, the available evidence is currently insufficient to determine the role of this variant in disease. Therefore, it has been classified as a Variant of Uncertain Significance. Advanced modeling of protein sequence and biophysical properties (such as structural, functional, and spatial information, amino acid conservation, physicochemical variation, residue mobility, and thermodynamic stability) performed at Invitae indicates that this missense variant is expected to disrupt GCKR protein function. This variant has not been reported in the literature in individuals affected with GCKR-related conditions. This variant is present in population databases (rs747654974, gnomAD 0.0009%). This sequence change replaces glutamic acid, which is acidic and polar, with aspartic acid, which is acidic and polar, at codon 32 of the GCKR protein (p.Glu32Asp).